The following is an entry in ClinVar:

NM_020975.6(RET):c.1390A>G (p.Ile464Val)

Gene: RET (ret proto-oncogene; plus strand). Cytogenetic location: 10q11.21.
Variant type: single nucleotide variant.
Coding change: c.1390A>G on transcript NM_020975.6 (MANE Select); coding-DNA position 1390, A replaced by G.
Protein change: p.Ile464Val; replaces isoleucine 464 with valine.
Molecular consequence: missense variant. On other transcripts: intron variant (15).
Genome position (GRCh38, 1-based): chr10:43,111,333, A>G. VCF-style: chr10-43111333-A-G. GRCh37 (hg19) VCF-style: chr10-43606781-A-G.
Other names: c.628A>G, p.Ile210Val (NM_001355216.2); c.1390A>G, p.Ile464Val (NM_001406743.1, NM_001406744.1, NM_001406759.1 and 4 more transcripts); c.1261A>G, p.Ile421Val (NM_001406761.1, NM_001406762.1, NM_001406764.1 and 1 more transcripts); c.1102A>G, p.Ile368Val (NM_001406766.1, NM_001406767.1, NM_001406770.1); c.994A>G, p.Ile332Val (NM_001406769.1, NM_001406772.1); c.952A>G, p.Ile318Val (NM_001406771.1, NM_001406773.1); c.865A>G, p.Ile289Val (NM_001406774.1); c.664A>G, p.Ile222Val (NM_001406775.1, NM_001406776.1, NM_001406777.1 and 1 more transcripts); and 5 more; short protein forms I134V, I210V, I222V, I289V, I318V, I332V, I368V, I421V.
Identifiers: ClinVar variation 3390690 (VCV003390690.1).

ClinVar aggregate classification (germline): Uncertain significance (1 of 4 stars; one submission).

gnomAD v4.1: 4 of 1,614,100 alleles (0.00025%); highest among the groups gnomAD compares: Non-Finnish European, 0.00034%; no homozygotes.

Submission:

GeneDx
Classification: Uncertain significance. Last evaluated: 2024-06-12. Review status: criteria provided, single submitter. Criteria: GeneDx Variant Classification Process June 2021. Collection method: clinical testing. Allele origin: germline. Affected: yes.
Comment: Not observed at significant frequency in large population cohorts (gnomAD); In silico analysis indicates that this missense variant does not alter protein structure/function; Has not been previously published as pathogenic or benign to our knowledge; This variant is associated with the following publications: (PMID: 14633923)